The following is an entry in ClinVar:

NM_000321.3(RB1):c.17C>G (p.Pro6Arg)

Gene: RB1 (RB transcriptional corepressor 1; plus strand). Cytogenetic location: 13q14.2.
Variant type: single nucleotide variant.
Coding change: c.17C>G on transcript NM_000321.3 (MANE Select); coding-DNA position 17, C replaced by G.
Protein change: p.Pro6Arg; replaces proline 6 with arginine.
Molecular consequence: missense variant.
Genome position (GRCh38, 1-based): chr13:48,303,929, C>G. VCF-style: chr13-48303929-C-G. GRCh37 (hg19) VCF-style: chr13-48878065-C-G.
Other names: c.17C>G, p.Pro6Arg (NM_001407165.1, NM_001407166.1, NM_001407167.1); short protein forms P6R.
Identifiers: ClinVar variation 3625786 (VCV003625786.3).

ClinVar aggregate classification (germline): Uncertain significance. Review status: criteria provided, multiple submitters, no conflicts (2 of 4 stars). 2 submissions from 2 submitters: Uncertain significance (2). Last evaluated 2025-04-03.

Conditions:
Hereditary cancer-predisposing syndrome. Also called: Tumor predisposition; Hereditary neoplastic syndrome; Neoplastic Syndromes, Hereditary; Hereditary Cancer Syndrome. Identifiers: Orphanet 140162, MedGen C0027672, MeSH D009386, MONDO:0015356.
Retinoblastoma (RB1). Also called: RETINOBLASTOMA, SOMATIC. Identifiers: Orphanet 790, MedGen C0035335, MeSH D012175, MONDO:0008380, OMIM 180200, HP:0009919. Disease mechanism: loss of function. Inheritance: Both sporadic and heritable forms are tested..

Submissions (2):

Ambry Genetics
Classification: Uncertain significance for Hereditary cancer-predisposing syndrome. Last evaluated: 2025-04-03. Review status: criteria provided, single submitter. Criteria: Ambry Variant Classification Scheme 2023. Collection method: clinical testing. Allele origin: germline.
Comment: The p.P6R variant (also known as c.17C>G), located in coding exon 1 of the RB1 gene, results from a C to G substitution at nucleotide position 17. The proline at codon 6 is replaced by arginine, an amino acid with dissimilar properties. This amino acid position is well conserved in available vertebrate species. In addition, the in silico prediction for this alteration is inconclusive. Based on the available evidence, the clinical significance of this variant remains unclear.

Labcorp Genetics (formerly Invitae), Labcorp
Classification: Uncertain significance for Retinoblastoma. Last evaluated: 2024-06-29. Review status: criteria provided, single submitter. Criteria: Invitae Variant Classification Sherloc (09022015). Collection method: clinical testing. Allele origin: germline.
Comment: This sequence change replaces proline, which is neutral and non-polar, with arginine, which is basic and polar, at codon 6 of the RB1 protein (p.Pro6Arg). This variant is not present in population databases (gnomAD no frequency). This variant has not been reported in the literature in individuals affected with RB1-related conditions. Advanced modeling of protein sequence and biophysical properties (such as structural, functional, and spatial information, amino acid conservation, physicochemical variation, residue mobility, and thermodynamic stability) has been performed at Invitae for this missense variant, however the output from this modeling did not meet the statistical confidence thresholds required to predict the impact of this variant on RB1 protein function. In summary, the available evidence is currently insufficient to determine the role of this variant in disease. Therefore, it has been classified as a Variant of Uncertain Significance.